The following is an entry in ClinVar:

NM_020911.2(PLXNA4):c.4341C>T (p.Tyr1447=)

Gene: PLXNA4 (plexin A4; minus strand). Cytogenetic location: 7q32.3.
Variant type: single nucleotide variant.
Coding change: c.4341C>T on transcript NM_020911.2 (MANE Select); coding-DNA position 4341, C replaced by T.
Protein change: p.Tyr1447=; no amino-acid change (tyrosine 1447 retained).
Molecular consequence: synonymous variant.
Genome position (GRCh38, 1-based): chr7:132,165,146, G>A on the plus strand (C>T on the coding strand, the complement: PLXNA4 is on the minus strand). VCF-style: chr7-132165146-G-A. GRCh37 (hg19) VCF-style: chr7-131849905-G-A.
Other names: c.4341C>T, p.Tyr1447= (NM_001393897.1).
Identifiers: ClinVar variation 4981702 (VCV004981702.1).
Genomic context (GRCh38, chr7:132,165,146, plus strand): 5'-AGAGAATGAACGAGGCAAGGCCAGAAATACGTCCACATCCAACCCTACCTTGAGGAACTT[G>A]TAGAGGAGGAAAGTAAACCAATTGGTCAGCATCTTCTCAGCCACTGACTCAGTCCTGTCA-3'
Protein context (NP_065962.1, residues 1437-1457): MLTNWFTFLL[Tyr1447=]KFLKECAGEP

ClinVar aggregate classification (germline): Likely benign (1 of 4 stars; one submission).

Conditions:
PLXNA4-related disorder. Also called: PLXNA4-related condition.

gnomAD v4.1: 1 of 1,613,342 alleles (0.000062%); highest among the groups gnomAD compares: Middle Eastern, 0.017%; no homozygotes.

Submission:

PreventionGenetics, part of Exact Sciences
Classification: Likely benign for PLXNA4-related condition. Last evaluated: 2026-06-30. Review status: criteria provided, single submitter. Criteria: ACMG Guidelines, 2015. Collection method: clinical testing. Allele origin: germline.
Comment: This variant is classified as likely benign based on ACMG/AMP sequence variant interpretation guidelines (Richards et al. 2015 PMID: 25741868, with internal and published modifications).